The following is an entry in ClinVar:

NM_000238.4(KCNH2):c.2734_2738dup (p.Ala915fs)

Gene: KCNH2 (potassium voltage-gated channel subfamily H member 2; minus strand). Cytogenetic location: 7q36.1.
Variant type: Microsatellite.
Coding change: c.2734_2738dup on transcript NM_000238.4 (MANE Select); coding-DNA positions 2734 to 2738, 5 bases duplicated (CGGGC; older notation c.2734_2738dupCGGGC).
Protein change: p.Ala915fs; shifts the reading frame from alanine 915.
Molecular consequence: frameshift variant.
Genome position (GRCh38, 1-based): chr7:150,947,833-150,947,837, GCCCG duplicated on the plus strand (CGGGC on the coding strand, the reverse complement: KCNH2 is on the minus strand); duplicating any 5 consecutive bases within chr7:150,947,833-150,947,846 gives the same sequence; the c. name uses the placement nearest the transcript's 3' end. VCF-style (leftmost placement, unchanged base first): chr7-150947832-C-CGCCCG. GRCh37 (hg19) VCF-style: chr7-150644920-C-CGCCCG.
Other names: c.1714_1718dup, p.Ala575fs (NM_172057.3); c.2734_2738dupCGGGC (NM_000238.2, NM_000238.3); short protein forms A915fs, A575fs.
Identifiers: ClinVar variation 200795 (VCV000200795.11), dbSNP rs794728502, ClinGen allele CA305505.

ClinVar aggregate classification (germline): Pathogenic/Likely pathogenic. Review status: criteria provided, multiple submitters, no conflicts (2 of 4 stars). 4 submissions from 4 submitters: Pathogenic (3); Likely pathogenic (1). Last evaluated 2025-05-27.

Conditions:
KCNH2-related disorder. Also called: KCNH2-related condition; KCNH2-related disorders.
Cardiovascular phenotype. Identifiers: MedGen CN230736.
Long QT syndrome 2 (LQT2). Identifiers: Orphanet 101016, Orphanet 768, MedGen C3150943, MONDO:0013367, OMIM 613688.

Submissions (4):

GeneDx
Classification: Pathogenic. Last evaluated: 2025-05-27. Review status: criteria provided, single submitter. Criteria: GeneDx Variant Classification Process June 2021. Collection method: clinical testing. Allele origin: germline. Affected: yes.
Comment: Frameshift variant predicted to result in protein truncation or nonsense mediated decay in a gene for which loss of function is a known mechanism of disease; Not observed at significant frequency in large population cohorts (gnomAD); Also known as p.R912fs+63X and 2733_2737dup; This variant is associated with the following publications: (PMID: 18441445, 26669661, 36861347)

KardioGenetik, Herz- und Diabeteszentrum NRW
Classification: Likely pathogenic for Long QT syndrome 2. Last evaluated: 2024-08-27. Review status: criteria provided, single submitter. Criteria: ACMG Guidelines, 2015. Collection method: clinical testing. Allele origin: unknown. Affected: yes. Observed: 1 variant allele.
Comment: PVS1, PM2

Ambry Genetics
Classification: Pathogenic for Cardiovascular phenotype. Last evaluated: 2022-12-07. Review status: criteria provided, single submitter. Criteria: Ambry Variant Classification Scheme 2023. Collection method: clinical testing. Allele origin: germline.
Comment: The c.2734_2738dupCGGGC pathogenic mutation, located in coding exon 12 of the KCNH2 gene, results from a duplication of CGGGC at nucleotide position 2734, causing a translational frameshift with a predicted alternate stop codon (p.A915Rfs*61). This alteration has been reported in association with long QT syndrome (Nagaoka I et al. Circ J, 2008 May;72:694-9; Itoh H et al. Eur J Hum Genet, 2016 Aug;24:1160-6). This variant is considered to be rare based on population cohorts in the Genome Aggregation Database (gnomAD). This alteration is expected to result in loss of function by premature protein truncation or nonsense-mediated mRNA decay. As such, this alteration is interpreted as a disease-causing mutation.

Blueprint Genetics
Classification: Pathogenic for KCNH2-related disorders. Last evaluated: 2018-05-28. Review status: criteria provided, single submitter. Criteria: ACMG Guidelines, 2015. Collection method: clinical testing. Allele origin: germline. Affected: yes. Observed: 1 variant allele.

Literature cited by the submitters: PubMed 18441445 (cited by Ambry Genetics); PubMed 26669661 (cited by Ambry Genetics).